The following is an entry in ClinVar:

NM_006164.5(NFE2L2):c.925C>T (p.Leu309Phe)

Gene: NFE2L2 (NFE2 like bZIP transcription factor 2; minus strand). Cytogenetic location: 2q31.2.
Variant type: single nucleotide variant.
Coding change: c.925C>T on transcript NM_006164.5 (MANE Select); coding-DNA position 925, C replaced by T.
Protein change: p.Leu309Phe; replaces leucine 309 with phenylalanine.
Molecular consequence: missense variant.
Genome position (GRCh38, 1-based): chr2:177,231,678, G>A on the plus strand (C>T on the coding strand, the complement: NFE2L2 is on the minus strand). VCF-style: chr2-177231678-G-A. GRCh37 (hg19) VCF-style: chr2-178096406-G-A.
Other names: c.877C>T, p.Leu293Phe (NM_001313901.1, NM_001145412.3, NM_001313900.1); c.835C>T, p.Leu279Phe (NM_001313902.2); c.706C>T, p.Leu236Phe (NM_001313903.2); c.625C>T, p.Leu209Phe (NM_001313904.1); c.856C>T, p.Leu286Phe (NM_001145413.3); short protein forms L293F, L286F, L309F, L209F, L236F, L279F.
Identifiers: ClinVar variation 134904 (VCV000134904.36), dbSNP rs141363120, ClinGen allele CA161129.

ClinVar aggregate classification (germline): Benign/Likely benign. Review status: criteria provided, multiple submitters, no conflicts (2 of 4 stars). 5 submissions from 5 submitters: Benign (1); Likely benign (3). 1 of the submissions does not count toward it. Last evaluated 2026-02-01.

Allele frequency attached by ClinVar (database versions not stated): 1000 Genomes Project 30x 0.00141; 1000 Genomes Project 0.00160; gnomAD 0.00166; TOPMed 0.00299; ESP Exome Variant Server 0.00346.
gnomAD v4.1: 5,440 of 1,614,194 alleles (0.34%); highest among the groups gnomAD compares: Middle Eastern, 0.48%; 14 homozygotes.

Submissions (5):

Labcorp Genetics (formerly Invitae), Labcorp
Classification: Likely benign. Last evaluated: 2026-02-01. Review status: criteria provided, single submitter. Criteria: Invitae Variant Classification Sherloc (09022015). Collection method: clinical testing. Allele origin: germline.

CeGaT Center for Human Genetics Tuebingen
Classification: Benign. Last evaluated: 2025-02-01. Review status: criteria provided, single submitter. Criteria: CeGaT Center For Human Genetics Tuebingen Variant Classification Criteria Version 2. Collection method: clinical testing. Allele origin: germline. Affected: yes. Observed: 2 variant alleles.
Comment: NFE2L2: BP4, BS1, BS2

Blueprint Genetics
Classification: Likely benign. Last evaluated: 2024-11-21. Review status: criteria provided, single submitter. Criteria: ACMG Guidelines, 2015. Collection method: clinical testing. Allele origin: germline.

Breakthrough Genomics
Classification: Likely benign. Review status: criteria provided, single submitter. Criteria: ACMG Guidelines, 2015. Collection method: not provided. Allele origin: germline. Inheritance: Autosomal dominant inheritance. Affected: yes.

ITMI
No classification provided. Condition: AllHighlyPenetrant. Last evaluated: 2013-09-19. Review status: no classification provided. Collection method: reference population. Allele origin: germline. Not counted in ClinVar's aggregate classification.
Comment: Please see associated publication for description of ethnicities

Literature cited by the submitters: PubMed 24728327 (cited by ITMI).